The following is an entry in ClinVar:

NM_177438.3(DICER1):c.2455T>C (p.Tyr819His)

Gene: DICER1 (dicer 1, ribonuclease III; minus strand). Cytogenetic location: 14q32.13.
Variant type: single nucleotide variant.
Coding change: c.2455T>C on transcript NM_177438.3 (MANE Select); coding-DNA position 2455, T replaced by C.
Protein change: p.Tyr819His; replaces tyrosine 819 with histidine.
Molecular consequence: missense variant.
Genome position (GRCh38, 1-based): chr14:95,108,075, A>G on the plus strand (T>C on the coding strand, the complement: DICER1 is on the minus strand). VCF-style: chr14-95108075-A-G. GRCh37 (hg19) VCF-style: chr14-95574412-A-G.
Other names: NM_177438.3(DICER1):c.2455T>C; p.Tyr819His; c.2455T>C, p.Tyr819His (NM_001195573.1, NM_001271282.3, NM_001291628.2 and 1 more transcripts); short protein forms Y819H.
Identifiers: ClinVar variation 479637 (VCV000479637.19), dbSNP rs1238286921, ClinGen allele CA390881994.

ClinVar aggregate classification (germline): Uncertain significance. Review status: reviewed by expert panel (3 of 4 stars). 6 submissions from 6 submitters: Uncertain significance (1). 5 of the submissions do not count toward it. Last evaluated 2025-01-07.

Conditions:
Global developmental delay - lung cysts - overgrowth - Wilms tumor syndrome. Also called: GLOW Syndrome; GLOBAL DEVELOPMENTAL DELAY, LUNG CYSTS, OVERGROWTH, AND WILMS TUMOR. Identifiers: Orphanet 404476, MedGen C4748924, MONDO:0018445, OMIM 618272.
DICER1-related tumor predisposition. Also called: DICER1-related pleuropulmonary blastoma cancer predisposition syndrome; DICER1 syndrome. Identifiers: Orphanet 284343, MedGen C3839822, MONDO:0100216.
Hereditary cancer-predisposing syndrome. Also called: Tumor predisposition; Neoplastic Syndromes, Hereditary; Hereditary Cancer Syndrome; Hereditary neoplastic syndrome. Identifiers: Orphanet 140162, MedGen C0027672, MeSH D009386, MONDO:0015356.

Allele frequency attached by ClinVar (database versions not stated): gnomAD exomes below 0.00001 and 0.00001; TOPMed 0.00001.

Submissions (6):

ClinGen DICER1 and miRNA-Processing Gene Variant Curation Expert Panel, ClinGen
Classification: Uncertain significance for DICER1-related tumor predisposition. Last evaluated: 2025-01-07. Review status: reviewed by expert panel. Criteria: ClinGen DICER1 ACMG Specifications DICER1 V1.3.0. Collection method: curation. Allele origin: germline. Inheritance: Autosomal dominant inheritance.
Comment: The NM_177438.3:c.2455T>C variant in DICER1 is a missense variant predicted to cause substitution of tyrosine by histidine at amino acid 819 (p.Tyr819His). Although this variant has been observed in germline cases, to our knowledge, this variant has not been reported in individuals with DICER1-related tumor predisposition (PS4 not met; PMIDs: 28012864, Internal lab contributors). This variant has been seen in 10 or more unrelated females without tumors through age 50 in at least one testing laboratory (BS2_Supporting; Internal lab contributors). The total allele frequency in gnomAD v4.1.0 is 0.000006198 (10/1613442 alleles) with a highest population minor allele frequency of 0.000007631 (9/1179402 alleles) in the European (non-Finnish) population (PM2_Supporting, BS1, and BA1 are not met). In silico tools predict damaging impact of the variant on protein function (REVEL: 0.876) (PP3). In summary, this variant meets the criteria to be classified as Uncertain Significance for DICER1-related tumor predisposition based on the ACMG/AMP criteria applied, as specified by the ClinGen DICER1 VCEP: BS2_supporting, PP3. (Bayesian Points: 0; VCEP specifications version 1.3.0; 01/07/2025)

Labcorp Genetics (formerly Invitae), Labcorp
Classification: Uncertain significance for DICER1-related tumor predisposition. Last evaluated: 2026-02-01. Review status: criteria provided, single submitter. Criteria: Invitae Variant Classification Sherloc (09022015). Collection method: clinical testing. Allele origin: germline. Not counted in ClinVar's aggregate classification.
Comment: This sequence change replaces tyrosine, which is neutral and polar, with histidine, which is basic and polar, at codon 819 of the DICER1 protein (p.Tyr819His). This variant is present in population databases (no rsID available, gnomAD 0.0009%). This missense change has been observed in individual(s) with hepatocellular tumors (PMID: 28012864). ClinVar contains an entry for this variant (Variation ID: 479637). Invitae Evidence Modeling of protein sequence and biophysical properties (such as structural, functional, and spatial information, amino acid conservation, physicochemical variation, residue mobility, and thermodynamic stability) has been performed for this missense variant. However, the output from this modeling did not meet the statistical confidence thresholds required to predict the impact of this variant on DICER1 protein function. In summary, the available evidence is currently insufficient to determine the role of this variant in disease. Therefore, it has been classified as a Variant of Uncertain Significance.

Ambry Genetics
Classification: Uncertain significance for Hereditary cancer-predisposing syndrome. Last evaluated: 2025-08-25. Review status: criteria provided, single submitter. Criteria: Ambry Variant Classification Scheme 2023. Collection method: clinical testing. Allele origin: germline. Not counted in ClinVar's aggregate classification.
Comment: The p.Y819H variant (also known as c.2455T>C), located in coding exon 15 of the DICER1 gene, results from a T to C substitution at nucleotide position 2455. The tyrosine at codon 819 is replaced by histidine, an amino acid with similar properties. This variant has been reported in a father and son with recurrent well-differentiated hepatocellular tumors (Caruso S et al. J. Hepatol. 2017 Apr;66:734-742). This amino acid position is highly conserved in available vertebrate species. In addition, this alteration is predicted to be deleterious by in silico analysis. Since supporting evidence is limited at this time, the clinical significance of this alteration remains unclear.

GeneDx
Classification: Uncertain significance. Last evaluated: 2024-08-11. Review status: criteria provided, single submitter. Criteria: GeneDx Variant Classification Process June 2021. Collection method: clinical testing. Allele origin: germline. Affected: yes. Not counted in ClinVar's aggregate classification.
Comment: Observed in a father and son with multiple hepatocellular tumors (PMID: 28012864); In silico analysis supports that this missense variant has a deleterious effect on protein structure/function; Not observed at significant frequency in large population cohorts (gnomAD); This variant is associated with the following publications: (PMID: 37509342, 29762508, 36946612, 28012864)

Baylor Genetics
Classification: Uncertain significance for Global developmental delay - lung cysts - overgrowth - Wilms tumor syndrome. Last evaluated: 2023-11-13. Review status: criteria provided, single submitter. Criteria: ACMG Guidelines, 2015. Collection method: clinical testing. Allele origin: unknown. Not counted in ClinVar's aggregate classification.

Foulkes Cancer Genetics LDI, Lady Davis Institute for Medical Research
Classification: Uncertain significance. Last evaluated: 2019-07-01. Review status: criteria provided, single submitter. Criteria: ACMG Guidelines, 2015. Collection method: curation. Allele origin: germline. Affected: yes. Observed: 2 variant alleles. Not counted in ClinVar's aggregate classification.
Comment: ACMG criteria met: PM2, PP3, BP1

Literature cited by the submitters: PubMed 28012864 (cited by 3 submitters).